The following is an entry in ClinVar:

ClinVar aggregate classification (germline): Uncertain significance (1 of 4 stars; one submission).

Conditions:
Sulfite oxidase deficiency due to molybdenum cofactor deficiency type C. Also called: Molybdenum cofactor deficiency, complementation group C; Molybdenum cofactor deficiency C. Identifiers: Orphanet 308400, Orphanet 833, MedGen C1854990, MONDO:0014212, OMIM 615501.

Allele frequency attached by ClinVar (database versions not stated): gnomAD exomes below 0.00001; gnomAD 0.00001; TOPMed 0.00001.
gnomAD v4.1: 5 of 1,613,180 alleles (0.00031%); highest among the groups gnomAD compares: South Asian, 0.0011%; no homozygotes.

Submission:

Labcorp Genetics (formerly Invitae), Labcorp
Classification: Uncertain significance for Sulfite oxidase deficiency due to molybdenum cofactor deficiency type C. Last evaluated: 2023-10-03. Review status: criteria provided, single submitter. Criteria: Invitae Variant Classification Sherloc (09022015). Collection method: clinical testing. Allele origin: germline.
Comment: This sequence change replaces asparagine, which is neutral and polar, with serine, which is neutral and polar, at codon 559 of the GPHN protein (p.Asn559Ser). This variant is present in population databases (no rsID available, gnomAD 0.003%). This variant has not been reported in the literature in individuals affected with GPHN-related conditions. ClinVar contains an entry for this variant (Variation ID: 1060901). Advanced modeling of protein sequence and biophysical properties (such as structural, functional, and spatial information, amino acid conservation, physicochemical variation, residue mobility, and thermodynamic stability) performed at Invitae indicates that this missense variant is expected to disrupt GPHN protein function. In summary, the available evidence is currently insufficient to determine the role of this variant in disease. Therefore, it has been classified as a Variant of Uncertain Significance.

NM_020806.5(GPHN):c.1676A>G (p.Asn559Ser)

Gene: GPHN (gephyrin; plus strand). Cytogenetic location: 14q23.3.
Variant type: single nucleotide variant.
Coding change: c.1676A>G on transcript NM_020806.5 (MANE Select); coding-DNA position 1676, A replaced by G.
Protein change: p.Asn559Ser; replaces asparagine 559 with serine.
Molecular consequence: missense variant.
Genome position (GRCh38, 1-based): chr14:67,122,305, A>G. VCF-style: chr14-67122305-A-G. GRCh37 (hg19) VCF-style: chr14-67589022-A-G.
Other names: c.1577A>G, p.Asn526Ser (NM_001024218.2); c.1736A>G, p.Asn579Ser (NM_001377514.1); c.1706A>G, p.Asn569Ser (NM_001377515.1); c.1697A>G, p.Asn566Ser (NM_001377516.1); c.1649A>G, p.Asn550Ser (NM_001377517.1); c.1634A>G, p.Asn545Ser (NM_001377518.1); c.1616A>G, p.Asn539Ser (NM_001377519.1); short protein forms N526S, N539S, N545S, N550S, N559S, N566S, N569S, N579S.
Identifiers: ClinVar variation 1060901 (VCV001060901.9), dbSNP rs1161767597, ClinGen allele CA390259172.
Genomic context (GRCh38, chr14:67,122,305, plus strand): 5'-TGGCTTTGTAGCTGCTAAATCCTGAAGATGACCTCTTACCAGGGAAGATTCGAGACAGCA[A>G]TCGTTCAACTCTTCTAGCAACAATTCAGGAACATGGTTACCCCACGATCAACTTGGGTAT-3'
Protein context (NP_065857.1, residues 549-569): DLLPGKIRDS[Asn559Ser]RSTLLATIQE